The following is an entry in ClinVar:

NM_004855.5(PIGB):c.1075G>A (p.Glu359Lys)

Gene: PIGB (phosphatidylinositol glycan anchor biosynthesis class B; plus strand). Cytogenetic location: 15q21.3.
Variant type: single nucleotide variant.
Coding change: c.1075G>A on transcript NM_004855.5 (MANE Select); coding-DNA position 1075, G replaced by A.
Protein change: p.Glu359Lys; replaces glutamic acid 359 with lysine.
Molecular consequence: missense variant.
Genome position (GRCh38, 1-based): chr15:55,341,754, G>A. VCF-style: chr15-55341754-G-A. GRCh37 (hg19) VCF-style: chr15-55633952-G-A.
Other names: c.1075G>A (NM_004855.4); short protein forms E359K.
Identifiers: ClinVar variation 1952173 (VCV001952173.6), dbSNP rs1324780630, ClinGen allele CA392543271.

ClinVar aggregate classification (germline): Uncertain significance. Review status: criteria provided, multiple submitters, no conflicts (2 of 4 stars). 2 submissions from 2 submitters: Uncertain significance (2). Last evaluated 2025-08-26.

Conditions:
Inborn genetic diseases. Identifiers: MedGen C0950123, MeSH D030342.

Submissions (2):

Ambry Genetics
Classification: Uncertain significance for Inborn genetic diseases. Last evaluated: 2025-08-26. Review status: criteria provided, single submitter. Criteria: Ambry Variant Classification Scheme 2023. Collection method: clinical testing. Allele origin: germline.

Labcorp Genetics (formerly Invitae), Labcorp
Classification: Uncertain significance. Last evaluated: 2022-04-20. Review status: criteria provided, single submitter. Criteria: Invitae Variant Classification Sherloc (09022015). Collection method: clinical testing. Allele origin: germline.
Comment: This variant has not been reported in the literature in individuals affected with PIGB-related conditions. In summary, the available evidence is currently insufficient to determine the role of this variant in disease. Therefore, it has been classified as a Variant of Uncertain Significance. Algorithms developed to predict the effect of missense changes on protein structure and function (SIFT, PolyPhen-2, Align-GVGD) all suggest that this variant is likely to be disruptive. The frequency data for this variant in the population databases is considered unreliable, as metrics indicate poor data quality at this position in the gnomAD database. This sequence change replaces glutamic acid, which is acidic and polar, with lysine, which is basic and polar, at codon 359 of the PIGB protein (p.Glu359Lys).